The following is an entry in ClinVar:

NM_020778.5(ALPK3):c.1535G>A (p.Ser512Asn)

Genes: ALPK3 (alpha kinase 3; plus strand), LOC111718493 (skeletal muscle cis-regulatory module overlapping ALPK3; plus strand). Cytogenetic location: 15q25.3.
Variant type: single nucleotide variant.
Coding change: c.1535G>A on transcript NM_020778.5 (MANE Select); coding-DNA position 1535, G replaced by A.
Protein change: p.Ser512Asn; replaces serine 512 with asparagine.
Molecular consequence: missense variant.
Genome position (GRCh38, 1-based): chr15:84,840,814, G>A. VCF-style: chr15-84840814-G-A. GRCh37 (hg19) VCF-style: chr15-85384045-G-A.
Other names: short protein forms S512N.
Identifiers: ClinVar variation 3652478 (VCV003652478.2).

ClinVar aggregate classification (germline): Uncertain significance (1 of 4 stars; one submission).

gnomAD v4.1: 1 of 1,614,242 alleles (0.000062%); highest among the groups gnomAD compares: African/African-American, 0.0013%; no homozygotes.

Submission:

Labcorp Genetics (formerly Invitae), Labcorp
Classification: Uncertain significance. Last evaluated: 2024-05-07. Review status: criteria provided, single submitter. Criteria: Invitae Variant Classification Sherloc (09022015). Collection method: clinical testing. Allele origin: germline.
Comment: This sequence change replaces serine, which is neutral and polar, with asparagine, which is neutral and polar, at codon 714 of the ALPK3 protein (p.Ser714Asn). This variant is not present in population databases (gnomAD no frequency). This variant has not been reported in the literature in individuals affected with ALPK3-related conditions. Advanced modeling of protein sequence and biophysical properties (such as structural, functional, and spatial information, amino acid conservation, physicochemical variation, residue mobility, and thermodynamic stability) performed at Invitae indicates that this missense variant is not expected to disrupt ALPK3 protein function with a negative predictive value of 80%. In summary, the available evidence is currently insufficient to determine the role of this variant in disease. Therefore, it has been classified as a Variant of Uncertain Significance.